The following is an entry in ClinVar:

NM_020919.4(ALS2):c.356CTG[1] (p.Ala120del)

Gene: ALS2 (alsin Rho guanine nucleotide exchange factor ALS2; minus strand). Cytogenetic location: 2q33.1.
Variant type: Microsatellite.
Coding change: c.356CTG[1] on transcript NM_020919.4 (MANE Select); one copy of the 3-base unit CTG starting at c.356; the reference has two copies in a row; one copy, 3 bases deleted.
Protein change: p.Ala120del; deletes alanine 120.
Molecular consequence: inframe deletion. On other transcripts: inframe indel (1).
Genome position (GRCh38, 1-based): chr2:201,761,633-201,761,635, CAG deleted on the plus strand (CTG on the coding strand, the reverse complement: ALS2 is on the minus strand); deleting any 3 consecutive bases within chr2:201,761,633-201,761,638 gives the same sequence; the position shown is the placement nearest the transcript's 3' end. VCF-style (leftmost placement, unchanged base first): chr2-201761632-CCAG-C. GRCh37 (hg19) VCF-style: chr2-202626355-CCAG-C.
Other names: c.356CTG[1], p.Ala120del (NM_001135745.2); c.356_358CTG[1], p.Ala120del (NM_001410975.1); short protein forms A120del.
Identifiers: ClinVar variation 2099500 (VCV002099500.4), dbSNP rs1693774824, ClinGen allele CA1041268825.

ClinVar aggregate classification (germline): Uncertain significance (1 of 4 stars; one submission).

Conditions:
Infantile-onset ascending hereditary spastic paralysis (IAHSP). Also called: Autosomal Recessive Juvenile Amyotrophic Lateral Sclerosis; Infantile-Onset Ascending Hereditary Spastic Paralysis (IAHSP). Identifiers: Orphanet 293168, MedGen C2931441, MONDO:0011797, OMIM 607225. Disease mechanism: loss of function.

Submission:

Labcorp Genetics (formerly Invitae), Labcorp
Classification: Uncertain significance for Infantile-onset ascending hereditary spastic paralysis. Last evaluated: 2022-02-19. Review status: criteria provided, single submitter. Criteria: Invitae Variant Classification Sherloc (09022015). Collection method: clinical testing. Allele origin: germline.
Comment: In summary, the available evidence is currently insufficient to determine the role of this variant in disease. Therefore, it has been classified as a Variant of Uncertain Significance. Experimental studies and prediction algorithms are not available or were not evaluated, and the functional significance of this variant is currently unknown. This variant has not been reported in the literature in individuals affected with ALS2-related conditions. This variant is not present in population databases (gnomAD no frequency). This variant, c.359_361del, results in the deletion of 1 amino acid(s) of the ALS2 protein (p.Ala120del), but otherwise preserves the integrity of the reading frame.